The following is an entry in ClinVar:

ClinVar aggregate classification (germline): Uncertain significance (1 of 4 stars; one submission).

Submission:

Labcorp Genetics (formerly Invitae), Labcorp
Classification: Uncertain significance. Last evaluated: 2022-11-28. Review status: criteria provided, single submitter. Criteria: Invitae Variant Classification Sherloc (09022015). Collection method: clinical testing. Allele origin: germline.
Comment: In summary, the available evidence is currently insufficient to determine the role of this variant in disease. Therefore, it has been classified as a Variant of Uncertain Significance. Algorithms developed to predict the effect of missense changes on protein structure and function (SIFT, PolyPhen-2, Align-GVGD) all suggest that this variant is likely to be tolerated. This variant has not been reported in the literature in individuals affected with LONP1-related conditions. This variant is not present in population databases (gnomAD no frequency). This sequence change replaces valine, which is neutral and non-polar, with aspartic acid, which is acidic and polar, at codon 108 of the LONP1 protein (p.Val108Asp).

NM_004793.4(LONP1):c.323T>A (p.Val108Asp)

Genes: LONP1 (lon peptidase 1, mitochondrial; minus strand), LOC130063270 (ATAC-STARR-seq lymphoblastoid silent region 9931; plus strand). Cytogenetic location: 19p13.3.
Variant type: single nucleotide variant.
Coding change: c.323T>A on transcript NM_004793.4 (MANE Select); coding-DNA position 323, T replaced by A.
Protein change: p.Val108Asp; replaces valine 108 with aspartic acid.
Molecular consequence: missense variant. On other transcripts: non-coding transcript variant (1), intron variant (1).
Genome position (GRCh38, 1-based): chr19:5,719,810, A>T on the plus strand (T>A on the coding strand, the complement: LONP1 is on the minus strand). VCF-style: chr19-5719810-A-T. GRCh37 (hg19) VCF-style: chr19-5719821-A-T.
Other names: c.131T>A, p.Val44Asp (NM_001276479.2); c.-160+409T>A (NM_001276480.1); short protein forms V44D, V108D.
Identifiers: ClinVar variation 2013568 (VCV002013568.4), dbSNP rs368521347, ClinGen allele CA403543572.
Genomic context (GRCh38, chr19:5,719,810, plus strand): 5'-GCGATGAGCGGCAGGTGCGGAAACACATCGGGGATCGTCATGGGCGTGAGCGCCGTTATG[A>T]CCGGGCCTTCCCCGGCGCCCGCGCTGCCCCCCGCGCCGCCGGCTCCTTCCTCCGCGCCGC-3'
Protein context (NP_004784.2, residues 98-118): GGSAGAGEGP[Val108Asp]ITALTPMTIP